The following is an entry in ClinVar:

ClinVar aggregate classification (germline): Likely benign (1 of 4 stars; one submission).

gnomAD v4.1: 530 of 1,542,060 alleles (0.034%); highest among the groups gnomAD compares: South Asian, 0.58%; 3 homozygotes.

Submission:

CeGaT Center for Human Genetics Tuebingen
Classification: Likely benign. Last evaluated: 2026-07-01. Review status: criteria provided, single submitter. Criteria: CeGaT Center For Human Genetics Tuebingen Variant Classification Criteria Version 2. Collection method: clinical testing. Allele origin: germline. Affected: yes. Observed: 1 variant allele.
Comment: SUZ12: BP4, BP7, BS1

NM_015355.4(SUZ12):c.165C>T (p.Ser55=)

Gene: SUZ12 (SUZ12 polycomb repressive complex 2 subunit; plus strand). Cytogenetic location: 17q11.2.
Variant type: single nucleotide variant.
Coding change: c.165C>T on transcript NM_015355.4 (MANE Select); coding-DNA position 165, C replaced by T.
Protein change: p.Ser55=; no amino-acid change (serine 55 retained).
Molecular consequence: synonymous variant.
Genome position (GRCh38, 1-based): chr17:31,937,411, C>T. VCF-style: chr17-31937411-C-T. GRCh37 (hg19) VCF-style: chr17-30264430-C-T.
Other names: c.165C>T, p.Ser55= (NM_001321207.2).
Identifiers: ClinVar variation 5039141 (VCV005039141.1).
Genomic context (GRCh38, chr17:31,937,411, plus strand): 5'-GGCTTCGGGCGGCAAATCCGGCGGCGGGAGCTGTGGAGGGGGTGGCAGTTACTCGGCCTC[C>T]TCCTCCTCCTCCGCGGCGGCAGCGGCGGGGGCTGCGGTGTTACCGGTGAAGAAGCCGAAA-3'
Protein context (NP_056170.2, residues 45-65): SCGGGGSYSA[Ser55=]SSSSAAAAAG